The following is an entry in ClinVar:

NM_000478.6(ALPL):c.1132G>C (p.Asp378His)

Gene: ALPL (alkaline phosphatase, biomineralization associated; plus strand). Cytogenetic location: 1p36.12.
Variant type: single nucleotide variant.
Coding change: c.1132G>C on transcript NM_000478.6 (MANE Select); coding-DNA position 1132, G replaced by C.
Protein change: p.Asp378His; replaces aspartic acid 378 with histidine.
Molecular consequence: missense variant.
Genome position (GRCh38, 1-based): chr1:21,575,867, G>C. VCF-style: chr1-21575867-G-C. GRCh37 (hg19) VCF-style: chr1-21902360-G-C.
Other names: c.967G>C, p.Asp323His (NM_001127501.4); c.901G>C, p.Asp301His (NM_001177520.3); c.1132G>C, p.Asp378His (NM_001369803.2, NM_001369804.2, NM_001369805.2); short protein forms D378H, D323H, D301H.
Identifiers: ClinVar variation 556746 (VCV000556746.14), dbSNP rs1553414611, ClinGen allele CA338881339.
Genomic context (GRCh38, chr1:21,575,867, plus strand): 5'-GCCATCGGGCAGGCAGGCAGCTTGACCTCCTCGGAAGACACTCTGACCGTGGTCACTGCG[G>C]ACCATTCCCACGTCTTCACATTTGGTGGATACACCCCCCGTGGCAACTCTATCTTTGGTA-3'
Protein context (NP_000469.3, residues 368-388): SEDTLTVVTA[Asp378His]HSHVFTFGGY

ClinVar aggregate classification (germline): Pathogenic/Likely pathogenic. Review status: criteria provided, multiple submitters, no conflicts (2 of 4 stars). 7 submissions from 7 submitters: Pathogenic (4); Likely pathogenic (2). 1 of the submissions does not count toward it. Last evaluated 2025-09-22.

Conditions:
ALPL-related disorder. Also called: ALPL-related disorders; ALPL-related condition.
Hypophosphatasia. Also called: Phosphoethanol-aminuria. Identifiers: Orphanet 436, MedGen C0020630, MeSH D007014, MONDO:0018570.
Infantile hypophosphatasia. Identifiers: Orphanet 247651, Orphanet 436, MedGen C0268412, MONDO:1010169, OMIM 241500, MONDO:0009427.
Adult hypophosphatasia. Identifiers: Orphanet 247676, Orphanet 436, MedGen C0268413, MONDO:1010154, OMIM 146300, MONDO:0007798.

Allele frequency attached by ClinVar (database versions not stated): gnomAD exomes below 0.00001.
gnomAD v4.1: 1 of 1,614,234 alleles (0.000062%); highest among the groups gnomAD compares: Non-Finnish European, 0.000085%; no homozygotes.

Submissions (7):

Labcorp Genetics (formerly Invitae), Labcorp
Classification: Pathogenic. Last evaluated: 2025-09-22. Review status: criteria provided, single submitter. Criteria: Invitae Variant Classification Sherloc (09022015). Collection method: clinical testing. Allele origin: germline.
Comment: This sequence change replaces aspartic acid, which is acidic and polar, with histidine, which is basic and polar, at codon 378 of the ALPL protein (p.Asp378His). This variant is not present in population databases (gnomAD no frequency). This missense change has been observed in individual(s) with severe childhood hypophosphatasia (HPP) and adult HPP (PMID: 21713987). ClinVar contains an entry for this variant (Variation ID: 556746). Invitae Evidence Modeling of protein sequence and biophysical properties (such as structural, functional, and spatial information, amino acid conservation, physicochemical variation, residue mobility, and thermodynamic stability) indicates that this missense variant is expected to disrupt ALPL protein function with a positive predictive value of 95%. This variant disrupts the p.Asp378 amino acid residue in ALPL. Other variant(s) that disrupt this residue have been determined to be pathogenic (PMID: 1409720, 10508980, 17213282, 17922851, 19335222, 19500388, 21713987, 25731960, 28580391). This suggests that this residue is clinically significant, and that variants that disrupt this residue are likely to be disease-causing. For these reasons, this variant has been classified as Pathogenic.

Genomenon, Inc
Classification: Likely pathogenic for Hypophosphatasia. Last evaluated: 2025-08-29. Review status: criteria provided, single submitter. Criteria: Genomenon Sequence Variant Interpretation Standards. Collection method: curation. Allele origin: germline. Affected: yes.
Comment: ALPL Asp378His (c.1132G>C) is a missense variant that changes the amino acid at residue 378 from Aspartic acid to Histidine. This variant has been observed in at least one proband affected with hypophosphatasia (PMID:21713987;25731960;33814268;30283912). It is absent or not present at a significant frequency in gnomAD. In silico models agree that this variant is possibly or probably damaging. In conclusion, we classify ALPL p.Asp378His (c.1132G>C) as a likely pathogenic variant.

PreventionGenetics, part of Exact Sciences
Classification: Pathogenic for ALPL-related condition. Last evaluated: 2024-12-10. Review status: criteria provided, single submitter. Criteria: ACMG Guidelines, 2015. Collection method: clinical testing. Allele origin: germline.
Comment: The ALPL c.1132G>C variant is predicted to result in the amino acid substitution p.Asp378His. This variant has been reported in two individuals with hypophosphatasia (Wenkert et al. 2011. PubMed ID: 21713987; Table 1, Kishnani and Zhou. 2021. PubMed ID: 33814268) and at PreventionGenetics in at least three unrelated patients with ALPL-associated phenotypes. Different missense variants impacting the same amino acid (p.Asp378Tyr, p.Asp378Gly, p.Asp378Val) have been reported in patients with hypophosphatasia (respectively, Michigami et al. 2019. PubMed ID: 31707452; Tenorio et al. 2017. PubMed ID: 28127875; reported as p.Asp361Val, Henthorn et al. 1992. PubMed ID: 1409720). This variant has not been reported in a large population database, indicating this variant is rare. This variant is interpreted as pathogenic.

Baylor Genetics
Classification: Pathogenic for Adult hypophosphatasia. Last evaluated: 2023-05-01. Review status: criteria provided, single submitter. Criteria: ACMG Guidelines, 2015. Collection method: clinical testing. Allele origin: unknown.

Women's Health and Genetics/Laboratory Corporation of America, LabCorp
Classification: Pathogenic for Hypophosphatasia. Last evaluated: 2023-02-15. Review status: criteria provided, single submitter. Criteria: LabCorp Variant Classification Summary - May 2015. Collection method: clinical testing. Allele origin: germline.
Comment: Variant summary: ALPL c.1132G>C (p.Asp378His) results in a non-conservative amino acid change in the encoded protein sequence. Five of five in-silico tools predict a damaging effect of the variant on protein function. The variant was absent in 251492 control chromosomes (gnomAD). c.1132G>C has been reported as compound heterozygous in multiple individuals affected with Hypophosphatasia (Wenkert_2011, Whyte_2015, Kishani_2021, etc.). These data indicate that the variant is very likely to be associated with disease. One publication reports experimental evidence evaluating an impact on protein function, however, does not allow convincing conclusions about the variant effect (Xiao_2022). However, missense variants in the same residue (D378G, D378Y, D378V) have been reported in the Human Gene Mutation Database in association with Hypophosphatasia and D378V has been classified as DV in our lab, supporting the functional importance of this residue of the protein. Three ClinVar submitters have submitted clinical-significance assessments for this variant to ClinVar after 2014 without evidence for independent evaluation. The variant was classified as uncertain significance (n=1), likely pathogenic (n=1), and pathogenic (n=1). Based on the evidence outlined above, the variant was classified as pathogenic.

GeneDx
Classification: Likely pathogenic. Last evaluated: 2022-11-29. Review status: criteria provided, single submitter. Criteria: GeneDx Variant Classification Process June 2021. Collection method: clinical testing. Allele origin: germline. Affected: yes.
Comment: Observed in heterozygyous state in a patient with benign prenatal hypophosphatasia (BP-HPP) in published literature (Wenkert et al., 2011); In silico analysis supports that this missense variant has a deleterious effect on protein structure/function; Not observed at significant frequency in large population cohorts (gnomAD); This variant is associated with the following publications: (PMID: 35320273, 21713987)

Counsyl
Classification: Uncertain significance for Infantile hypophosphatasia. Last evaluated: 2018-02-15. Review status: no assertion criteria provided. Collection method: clinical testing. Allele origin: unknown. Not counted in ClinVar's aggregate classification.

Literature cited by the submitters: PubMed 21713987 (cited by 3 submitters); PubMed 1409720 (cited by Labcorp Genetics (formerly Invitae), Labcorp); PubMed 10508980 (cited by Labcorp Genetics (formerly Invitae), Labcorp); PubMed 17213282 (cited by Labcorp Genetics (formerly Invitae), Labcorp); PubMed 17922851 (cited by Labcorp Genetics (formerly Invitae), Labcorp); PubMed 19335222 (cited by Labcorp Genetics (formerly Invitae), Labcorp); PubMed 19500388 (cited by Labcorp Genetics (formerly Invitae), Labcorp); PubMed 25731960 (cited by 4 submitters); PubMed 28580391 (cited by Labcorp Genetics (formerly Invitae), Labcorp); PubMed 33814268 (cited by Genomenon, Inc and Women's Health and Genetics/Laboratory Corporation of America, LabCorp); PubMed 30283912 (cited by Genomenon, Inc); PubMed 31707452 (cited by Women's Health and Genetics/Laboratory Corporation of America, LabCorp); PubMed 32112990 (cited by Women's Health and Genetics/Laboratory Corporation of America, LabCorp); PubMed 35320273 (cited by Women's Health and Genetics/Laboratory Corporation of America, LabCorp).